The following is an entry in ClinVar:

NM_000540.3(RYR1):c.13411T>G (p.Ser4471Ala)

Gene: RYR1 (ryanodine receptor 1; plus strand). Cytogenetic location: 19q13.2.
Variant type: single nucleotide variant.
Coding change: c.13411T>G on transcript NM_000540.3 (MANE Select); coding-DNA position 13411, T replaced by G.
Protein change: p.Ser4471Ala; replaces serine 4471 with alanine.
Molecular consequence: missense variant.
Genome position (GRCh38, 1-based): chr19:38,565,745, T>G. VCF-style: chr19-38565745-T-G. GRCh37 (hg19) VCF-style: chr19-39056385-T-G.
Other names: c.13396T>G, p.Ser4466Ala (NM_001042723.2); short protein forms S4466A, S4471A.
Identifiers: ClinVar variation 3073885 (VCV003073885.1), dbSNP rs2514682449, ClinGen allele CA405675733.
Genomic context (GRCh38, chr19:38,565,745, plus strand): 5'-GCTGGCGGTCTCGGGGACATGGGGGACACGACGCCTGCGGAACCGCCCACACCCGAGGGC[T>G]CTCCCATCCTCAAGAGGAAATTGGGGGTGAGAGAGCAGGCGGGGTTTTGGGGTTTTGGAA-3'
Protein context (NP_000531.2, residues 4461-4481): TPAEPPTPEG[Ser4471Ala]PILKRKLGVD

ClinVar aggregate classification (germline): Uncertain significance (1 of 4 stars; one submission).

Conditions:
Malignant hyperthermia, susceptibility to, 1 (MHS1). Also called: Anesthesia related hyperthermia; Malignant hyperpyrexia; Fulminating hyperpyrexia; Pharmacogenic myopathy; RYR1-Related Malignant Hyperthermia Susceptibility; Malignant hyperthermia suceptibility 1. Identifiers: Orphanet 423, MedGen C2930980, MONDO:0007783, OMIM 145600.

Submission:

All of Us Research Program, National Institutes of Health
Classification: Uncertain significance for Malignant hyperthermia, susceptibility to, 1. Last evaluated: 2023-11-30. Review status: criteria provided, single submitter. Criteria: ACMG Guidelines, 2015. Collection method: clinical testing. Allele origin: germline. Inheritance: Autosomal dominant inheritance. Observed: 1 variant allele, 1 heterozygote.
Comment: This study involves interpretation of variants in research participants for the purpose of population health screening. Participant phenotype was not available at the time of variant classification. Additional details can be found in publication PMID: 35346344, PMCID: PMC8962531